The following is an entry in ClinVar:

ClinVar aggregate classification (germline): Likely benign (1 of 4 stars; one submission).

Allele frequency attached by ClinVar (database versions not stated): ExAC 0.00095; TOPMed 0.00292; gnomAD exomes 0.00333; 1000 Genomes Project 30x 0.00141; gnomAD 0.00298; 1000 Genomes Project 0.00160.
gnomAD v4.1: 2,284 of 702,086 alleles (0.33%); highest among the groups gnomAD compares: Non-Finnish European, 0.49%; 10 homozygotes.

Submission:

CeGaT Center for Human Genetics Tuebingen
Classification: Likely benign. Last evaluated: 2026-04-01. Review status: criteria provided, single submitter. Criteria: CeGaT Center For Human Genetics Tuebingen Variant Classification Criteria Version 2. Collection method: clinical testing. Allele origin: germline. Affected: yes. Observed: 4 variant alleles.
Comment: DCLRE1C: BP4, BS2

NM_001350965.2(DCLRE1C):c.*44C>G

Genes: DCLRE1C (DNA cross-link repair 1C; minus strand), SUV39H2 (SUV39H2 histone lysine methyltransferase; plus strand). Cytogenetic location: 10p13.
Variant type: single nucleotide variant.
Coding change: c.*44C>G on transcript NM_001350965.2; 44 bases downstream of the stop codon, C replaced by G.
Molecular consequence: 3 prime UTR variant. On other transcripts: non-coding transcript variant (1), intron variant (5).
Genome position (GRCh38, 1-based): chr10:14,899,206, G>C on the plus strand (C>G on the coding strand, the complement: DCLRE1C is on the minus strand). VCF-style: chr10-14899206-G-C. GRCh37 (hg19) VCF-style: chr10-14941205-G-C.
Other names: c.*44C>G (NM_001350966.2, NM_001350967.2); c.670-333G>C (NM_024670.4, NM_001193425.2); c.130-333G>C (NM_001193427.2); c.850-333G>C (NM_001193424.2); c.310-333G>C (NM_001193426.2).
Identifiers: ClinVar variation 2570766 (VCV002570766.24), dbSNP rs76797003, ClinGen allele CA5416229.